The following is an entry in ClinVar:

ClinVar aggregate classification (germline): Uncertain significance. Review status: criteria provided, multiple submitters, no conflicts (2 of 4 stars). 2 submissions from 2 submitters: Uncertain significance (2). Last evaluated 2022-11-22.

Conditions:
Inborn genetic diseases. Identifiers: MedGen C0950123, MeSH D030342.

Allele frequency attached by ClinVar (database versions not stated): gnomAD 0.00001; gnomAD exomes 0.00002 and 0.00005; TOPMed 0.00003.
gnomAD v4.1: 79 of 1,568,064 alleles (0.005%); highest among the groups gnomAD compares: Non-Finnish European, 0.0062%; no homozygotes.

Submissions (2):

Labcorp Genetics (formerly Invitae), Labcorp
Classification: Uncertain significance. Last evaluated: 2022-11-22. Review status: criteria provided, single submitter. Criteria: Invitae Variant Classification Sherloc (09022015). Collection method: clinical testing. Allele origin: germline.
Comment: ClinVar contains an entry for this variant (Variation ID: 1443126). This sequence change replaces glutamine, which is neutral and polar, with lysine, which is basic and polar, at codon 3447 of the HSPG2 protein (p.Gln3447Lys). The frequency data for this variant in the population databases is considered unreliable, as metrics indicate poor data quality at this position in the gnomAD database. This variant has not been reported in the literature in individuals affected with HSPG2-related conditions. Algorithms developed to predict the effect of missense changes on protein structure and function (SIFT, PolyPhen-2, Align-GVGD) all suggest that this variant is likely to be tolerated. In summary, the available evidence is currently insufficient to determine the role of this variant in disease. Therefore, it has been classified as a Variant of Uncertain Significance.

Ambry Genetics
Classification: Uncertain significance for Inborn genetic diseases. Last evaluated: 2022-01-10. Review status: criteria provided, single submitter. Criteria: Ambry Variant Classification Scheme 2023. Collection method: clinical testing. Allele origin: germline.

NM_005529.7(HSPG2):c.10339C>A (p.Gln3447Lys)

Gene: HSPG2 (heparan sulfate proteoglycan 2; minus strand). Cytogenetic location: 1p36.12.
Variant type: single nucleotide variant.
Coding change: c.10339C>A on transcript NM_005529.7 (MANE Select); coding-DNA position 10339, C replaced by A.
Protein change: p.Gln3447Lys; replaces glutamine 3447 with lysine.
Molecular consequence: missense variant.
Genome position (GRCh38, 1-based): chr1:21,836,818, G>T on the plus strand (C>A on the coding strand, the complement: HSPG2 is on the minus strand). VCF-style: chr1-21836818-G-T. GRCh37 (hg19) VCF-style: chr1-22163311-G-T.
Other names: c.10342C>A, p.Gln3448Lys (NM_001291860.2); c.10339C>A (NM_005529.5); short protein forms Q3447K, Q3448K.
Identifiers: ClinVar variation 1443126 (VCV001443126.7), dbSNP rs762559450, ClinGen allele CA19100876.